The following is an entry in ClinVar:

ClinVar aggregate classification (germline): Uncertain significance (1 of 4 stars; one submission).

Submission:

Labcorp Genetics (formerly Invitae), Labcorp
Classification: Uncertain significance. Last evaluated: 2022-01-17. Review status: criteria provided, single submitter. Criteria: Invitae Variant Classification Sherloc (09022015). Collection method: clinical testing. Allele origin: germline.
Comment: In summary, the available evidence is currently insufficient to determine the role of this variant in disease. Therefore, it has been classified as a Variant of Uncertain Significance. Algorithms developed to predict the effect of missense changes on protein structure and function are either unavailable or do not agree on the potential impact of this missense change (SIFT: "Deleterious"; PolyPhen-2: "Probably Damaging"; Align-GVGD: "Class C0"). This variant has not been reported in the literature in individuals affected with LAMA1-related conditions. This variant is not present in population databases (gnomAD no frequency). This sequence change replaces cysteine, which is neutral and slightly polar, with glycine, which is neutral and non-polar, at codon 1511 of the LAMA1 protein (p.Cys1511Gly).

NM_005559.4(LAMA1):c.4531T>G (p.Cys1511Gly)

Gene: LAMA1 (laminin subunit alpha 1; minus strand). Cytogenetic location: 18p11.31.
Variant type: single nucleotide variant.
Coding change: c.4531T>G on transcript NM_005559.4 (MANE Select); coding-DNA position 4531, T replaced by G.
Protein change: p.Cys1511Gly; replaces cysteine 1511 with glycine.
Molecular consequence: missense variant.
Genome position (GRCh38, 1-based): chr18:6,999,577, A>C on the plus strand (T>G on the coding strand, the complement: LAMA1 is on the minus strand). VCF-style: chr18-6999577-A-C. GRCh37 (hg19) VCF-style: chr18-6999576-A-C.
Other names: short protein forms C1511G.
Identifiers: ClinVar variation 2074490 (VCV002074490.2), dbSNP rs2057798450, ClinGen allele CA401846609.
Genomic context (GRCh38, chr18:6,999,577, plus strand): 5'-TGCAAACGCACTGCCCAGATGTGCGGTCACAGTCACCGTGGACAGAGCCGTGCGGGTTGC[A>C]GTCACACTTCTGGCAACTGCCACCTGGTGTTTGAGGGTTCCCATAATAGCTTGAGGAGCA-3'
Protein context (NP_005550.2, residues 1501-1521): TPGGSCQKCD[Cys1511Gly]NPHGSVHGDC